The following is an entry in ClinVar:

ClinVar aggregate classification (germline): Uncertain significance. Review status: criteria provided, multiple submitters, no conflicts (2 of 4 stars). 2 submissions from 2 submitters: Uncertain significance (2). Last evaluated 2025-08-01.

Allele frequency attached by ClinVar (database versions not stated): ExAC 0.00002; gnomAD 0.00002; gnomAD exomes 0.00002 and 0.00005; TOPMed 0.00003; ESP Exome Variant Server 0.00008.
gnomAD v4.1: 83 of 1,613,418 alleles (0.0051%); highest among the groups gnomAD compares: Middle Eastern, 0.033%; no homozygotes.

Submissions (2):

CeGaT Center for Human Genetics Tuebingen
Classification: Uncertain significance. Last evaluated: 2025-08-01. Review status: criteria provided, single submitter. Criteria: CeGaT Center For Human Genetics Tuebingen Variant Classification Criteria Version 2. Collection method: clinical testing. Allele origin: germline. Affected: yes. Observed: 1 variant allele.
Comment: EIF2B1: PM2

Labcorp Genetics (formerly Invitae), Labcorp
Classification: Uncertain significance. Last evaluated: 2022-02-05. Review status: criteria provided, single submitter. Criteria: Invitae Variant Classification Sherloc (09022015). Collection method: clinical testing. Allele origin: germline.
Comment: This sequence change replaces arginine, which is basic and polar, with tryptophan, which is neutral and slightly polar, at codon 28 of the EIF2B1 protein (p.Arg28Trp). This variant is present in population databases (rs150217005, gnomAD 0.01%). This variant has not been reported in the literature in individuals affected with EIF2B1-related conditions. Algorithms developed to predict the effect of missense changes on protein structure and function (SIFT, PolyPhen-2, Align-GVGD) all suggest that this variant is likely to be disruptive. In summary, the available evidence is currently insufficient to determine the role of this variant in disease. Therefore, it has been classified as a Variant of Uncertain Significance.

NM_001414.4(EIF2B1):c.82C>T (p.Arg28Trp)

Gene: EIF2B1 (eukaryotic translation initiation factor 2B subunit alpha; minus strand). Cytogenetic location: 12q24.31.
Variant type: single nucleotide variant.
Coding change: c.82C>T on transcript NM_001414.4 (MANE Select); coding-DNA position 82, C replaced by T.
Protein change: p.Arg28Trp; replaces arginine 28 with tryptophan.
Molecular consequence: missense variant.
Genome position (GRCh38, 1-based): chr12:123,632,378, G>A on the plus strand (C>T on the coding strand, the complement: EIF2B1 is on the minus strand). VCF-style: chr12-123632378-G-A. GRCh37 (hg19) VCF-style: chr12-124116925-G-A.
Other names: short protein forms R28W.
Identifiers: ClinVar variation 1386755 (VCV001386755.11), dbSNP rs150217005, ClinGen allele CA6860239.
Genomic context (GRCh38, chr12:123,632,378, plus strand): 5'-AGTGTTAACAGATGACTCTCTATATACCTTTATCTCTCTTCAAGAACTCCAGCAACGTCC[G>A]GATGGCAGCCACTGCTGAGGCCATGTCAGGATCTTCTTTCATCTGAGACTTAAAGTATTC-3'
Protein context (NP_001405.1, residues 18-38): PDMASAVAAI[Arg28Trp]TLLEFLKRDK